The following is an entry in ClinVar:

NM_000388.4(CASR):c.1378-5T>C

Gene: CASR (calcium sensing receptor; plus strand). Cytogenetic location: 3q21.1.
Variant type: single nucleotide variant.
Coding change: c.1378-5T>C on transcript NM_000388.4 (MANE Select); 5 bases into the intron before coding-DNA position 1378, T replaced by C.
Molecular consequence: intron variant.
Genome position (GRCh38, 1-based): chr3:122,275,807, T>C. VCF-style: chr3-122275807-T-C. GRCh37 (hg19) VCF-style: chr3-121994654-T-C.
Other names: c.1378-5T>C (NM_001178065.2).
Identifiers: ClinVar variation 3231501 (VCV003231501.1), dbSNP rs2473257315, ClinGen allele CA2825001190.

ClinVar aggregate classification (germline): Uncertain significance (1 of 4 stars; one submission).

Conditions:
Nephrolithiasis/nephrocalcinosis. Identifiers: MedGen CN580796.

Submission:

Ambry Genetics
Classification: Uncertain significance for Nephrolithiasis/nephrocalcinosis. Last evaluated: 2023-04-25. Review status: criteria provided, single submitter. Criteria: Ambry Variant Classification Scheme 2023. Collection method: clinical testing. Allele origin: germline.
Comment: The c.1378-5T>C intronic variant results from a T to C substitution 5 nucleotides upstream from coding exon 4 in the CASR gene. This nucleotide position is not well conserved in available vertebrate species. In silico splice site analysis predicts that this alteration will not have any significant effect on splicing. Since supporting evidence is limited at this time, the clinical significance of this alteration remains unclear.